The following is an entry in ClinVar:

ClinVar aggregate classification (germline): Uncertain significance. Review status: criteria provided, multiple submitters, no conflicts (2 of 4 stars). 3 submissions from 3 submitters: Uncertain significance (3). Last evaluated 2025-10-10.

Conditions:
Spermatogenic failure 50. Also called: Spermatogenic failures 50. Identifiers: MedGen C5436888, MONDO:0030869, OMIM 619145.
Fanconi anemia complementation group U. Identifiers: MedGen C4310651, MONDO:0014987, OMIM 617247.
Premature ovarian failure 17. Identifiers: MedGen C5436889, MONDO:0030870, OMIM 619146.
Hereditary cancer-predisposing syndrome. Also called: Neoplastic Syndromes, Hereditary; Tumor predisposition; Hereditary neoplastic syndrome; Hereditary Cancer Syndrome. Identifiers: Orphanet 140162, MedGen C0027672, MeSH D009386, MONDO:0015356.

Allele frequency attached by ClinVar (database versions not stated): gnomAD exomes 0.00001 and 0.00002; TOPMed 0.00001; ExAC 0.00002.
gnomAD v4.1: 4 of 1,614,198 alleles (0.00025%); highest among the groups gnomAD compares: Admixed American, 0.0067%; no homozygotes.

Submissions (3):

Ambry Genetics
Classification: Uncertain significance for Hereditary cancer-predisposing syndrome. Last evaluated: 2025-10-10. Review status: criteria provided, single submitter. Criteria: Ambry Variant Classification Scheme 2023. Collection method: clinical testing. Allele origin: germline.
Comment: The p.I147N variant (also known as c.440T>A), located in coding exon 3 of the XRCC2 gene, results from a T to A substitution at nucleotide position 440. The isoleucine at codon 147 is replaced by asparagine, an amino acid with dissimilar properties. This amino acid position is well conserved in available vertebrate species. In addition, the in silico prediction for this alteration is inconclusive. Since supporting evidence is limited at this time, the clinical significance of this alteration remains unclear.

Fulgent Genetics
Classification: Uncertain significance for Fanconi anemia complementation group U; Spermatogenic failure 50; Premature ovarian failure 17. Last evaluated: 2024-04-11. Review status: criteria provided, single submitter. Criteria: ACMG Guidelines, 2015. Collection method: clinical testing. Allele origin: germline.

Labcorp Genetics (formerly Invitae), Labcorp
Classification: Uncertain significance. Last evaluated: 2024-03-04. Review status: criteria provided, single submitter. Criteria: Invitae Variant Classification Sherloc (09022015). Collection method: clinical testing. Allele origin: germline.
Comment: This sequence change replaces isoleucine, which is neutral and non-polar, with asparagine, which is neutral and polar, at codon 147 of the XRCC2 protein (p.Ile147Asn). This variant is present in population databases (rs776710231, gnomAD 0.01%). This variant has not been reported in the literature in individuals affected with XRCC2-related conditions. ClinVar contains an entry for this variant (Variation ID: 824871). Advanced modeling of protein sequence and biophysical properties (such as structural, functional, and spatial information, amino acid conservation, physicochemical variation, residue mobility, and thermodynamic stability) performed at Invitae indicates that this missense variant is expected to disrupt XRCC2 protein function with a positive predictive value of 80%. In summary, the available evidence is currently insufficient to determine the role of this variant in disease. Therefore, it has been classified as a Variant of Uncertain Significance.

NM_005431.2(XRCC2):c.440T>A (p.Ile147Asn)

Gene: XRCC2 (X-ray repair cross complementing 2; minus strand). Cytogenetic location: 7q36.1.
Variant type: single nucleotide variant.
Coding change: c.440T>A on transcript NM_005431.2 (MANE Select); coding-DNA position 440, T replaced by A.
Protein change: p.Ile147Asn; replaces isoleucine 147 with asparagine.
Molecular consequence: missense variant.
Genome position (GRCh38, 1-based): chr7:152,649,045, A>T on the plus strand (T>A on the coding strand, the complement: XRCC2 is on the minus strand). VCF-style: chr7-152649045-A-T. GRCh37 (hg19) VCF-style: chr7-152346130-A-T.
Other names: short protein forms I147N.
Identifiers: ClinVar variation 824871 (VCV000824871.16), dbSNP rs776710231, ClinGen allele CA4582345.